The following is an entry in ClinVar:

ClinVar aggregate classification (germline): Conflicting classifications of pathogenicity. Review status: criteria provided, conflicting classifications (1 of 4 stars). 3 submissions from 3 submitters: Uncertain significance (2); Likely benign (1). Last evaluated 2023-10-13.

Conditions:
Inborn genetic diseases. Identifiers: MedGen C0950123, MeSH D030342.
Congenital sensory neuropathy with selective loss of small myelinated fibers (HSAN5). Also called: HSAN Type V. Identifiers: Orphanet 64752, MedGen C0020075, MONDO:0012092, OMIM 608654.

Allele frequency attached by ClinVar (database versions not stated): TOPMed 0.00015.
gnomAD v4.1: 18 of 1,613,924 alleles (0.0011%); highest among the groups gnomAD compares: African/African-American, 0.0093%; no homozygotes.

Submissions (3):

Labcorp Genetics (formerly Invitae), Labcorp
Classification: Uncertain significance for Congenital sensory neuropathy with selective loss of small myelinated fibers. Last evaluated: 2023-10-13. Review status: criteria provided, single submitter. Criteria: Invitae Variant Classification Sherloc (09022015). Collection method: clinical testing. Allele origin: germline.
Comment: This sequence change replaces glycine, which is neutral and non-polar, with serine, which is neutral and polar, at codon 15 of the NGF protein (p.Gly15Ser). This variant is present in population databases (rs181255687, gnomAD 0.02%). This variant has not been reported in the literature in individuals affected with NGF-related conditions. ClinVar contains an entry for this variant (Variation ID: 876404). Advanced modeling of protein sequence and biophysical properties (such as structural, functional, and spatial information, amino acid conservation, physicochemical variation, residue mobility, and thermodynamic stability) performed at Invitae indicates that this missense variant is not expected to disrupt NGF protein function. In summary, the available evidence is currently insufficient to determine the role of this variant in disease. Therefore, it has been classified as a Variant of Uncertain Significance.

Ambry Genetics
Classification: Uncertain significance for Inborn genetic diseases. Last evaluated: 2021-08-09. Review status: criteria provided, single submitter. Criteria: Ambry Variant Classification Scheme 2023. Collection method: clinical testing. Allele origin: germline.
Comment: The p.G15S variant (also known as c.43G>A), located in coding exon 1 of the NGF gene, results from a G to A substitution at nucleotide position 43. The glycine at codon 15 is replaced by serine, an amino acid with similar properties. This amino acid position is conserved. In addition, this alteration is predicted to be tolerated by in silico analysis. Since supporting evidence is limited at this time, the clinical significance of this alteration remains unclear.

Illumina Laboratory Services, Illumina
Classification: Likely benign for Congenital sensory neuropathy with selective loss of small myelinated fibers. Last evaluated: 2017-04-27. Review status: criteria provided, single submitter. Criteria: ICSL Variant Classification Criteria 13 December 2019. Collection method: clinical testing. Allele origin: germline.
Comment: This variant was observed as part of a predisposition screen in an ostensibly healthy population. A literature search was performed for the gene, cDNA change, and amino acid change (where applicable). No publications were found based on this search. Allele frequency data from public databases allowed determination this variant is unlikely to cause disease. Therefore, this variant is classified as likely benign.

NM_002506.3(NGF):c.43G>A (p.Gly15Ser)

Genes: NGF (nerve growth factor; minus strand), NGF-AS1 (NGF antisense RNA 1; plus strand). Cytogenetic location: 1p13.2.
Variant type: single nucleotide variant.
Coding change: c.43G>A on transcript NM_002506.3 (MANE Select); coding-DNA position 43, G replaced by A.
Protein change: p.Gly15Ser; replaces glycine 15 with serine.
Molecular consequence: missense variant.
Genome position (GRCh38, 1-based): chr1:115,286,753, C>T on the plus strand (G>A on the coding strand, the complement: NGF is on the minus strand). VCF-style: chr1-115286753-C-T. GRCh37 (hg19) VCF-style: chr1-115829374-C-T.
Other names: short protein forms G15S.
Identifiers: ClinVar variation 876404 (VCV000876404.13), dbSNP rs181255687, ClinGen allele CA1023077.
Genomic context (GRCh38, chr1:115,286,753, plus strand): 5'-CTTGGGGGATGGTGTGTCCTGCAGGGACATTGCTCTCTGAGTGTGGTTCCGCCTGTATGC[C>T]GATCAGAAAAGCTGTGATCAGAGTGTAGAACAACATGGACATTACGCTATGCACCTGGAA-3'
Protein context (NP_002497.2, residues 5-25): FYTLITAFLI[Gly15Ser]IQAEPHSESN